The following is an entry in ClinVar:

NM_000261.2(MYOC):c.719A>G (p.Glu240Gly)

Gene: MYOC (myocilin; minus strand). Cytogenetic location: 1q24.3.
Variant type: single nucleotide variant.
Coding change: c.719A>G on transcript NM_000261.2 (MANE Select); coding-DNA position 719, A replaced by G.
Protein change: p.Glu240Gly; replaces glutamic acid 240 with glycine.
Molecular consequence: missense variant.
Genome position (GRCh38, 1-based): chr1:171,638,608, T>C on the plus strand (A>G on the coding strand, the complement: MYOC is on the minus strand). VCF-style: chr1-171638608-T-C. GRCh37 (hg19) VCF-style: chr1-171607748-T-C.
Other names: NM_000261.2:c.719A>G; short protein forms E240G.
Identifiers: ClinVar variation 2442275 (VCV002442275.2), dbSNP rs2527843827, ClinGen allele CA343726916.

ClinVar aggregate classification (germline): Uncertain significance (3 of 4 stars; one submission).

Conditions:
Open-angle glaucoma. Identifiers: MedGen C0017612, MONDO:0005338, HP:0012108.

Allele frequency attached by ClinVar (database versions not stated): gnomAD exomes 0.00001.
gnomAD v4.1: 6 of 1,614,146 alleles (0.00037%); highest among the groups gnomAD compares: Non-Finnish European, 0.00051%; no homozygotes.

Submission:

ClinGen Glaucoma Variant Curation Expert Panel
Classification: Uncertain significance for Open-angle glaucoma. Last evaluated: 2025-11-12. Review status: reviewed by expert panel. Criteria: ClinGen Glaucoma ACMG Specifications V2.0.0 Approved. Collection method: curation. Allele origin: germline. Inheritance: Autosomal dominant inheritance.
Comment: The c.719A>G variant in MYOC is a missense variant predicted to cause substitution of Glutamic acid by Glycine at amino acid 240 (p.Glu240Gly). The highest minor allele frequency of this variant was in the European (non-Finnish) genetic ancestry group of gnomAD (v4.1.0) = 0.000005085 (6 alleles out of 1,180,006), which met the ≤ 0.0001 threshold set for PM2_Supporting in a genetic ancestry group of at least 10,000 alleles. The REVEL score = 0.205, which is within the 0.184-0.290 range for BP4, suggesting that the variant does not impact MYOC function. There was no functional evidence predicting a damaging or benign impact of this variant on MYOC function. This variant has not yet been identified in a proband with juvenile or primary open angle glaucoma, therefore PS4 did not apply. In summary, this variant met the criteria to receive a score of 0 and to be classified as a variant of uncertain significance (uncertain significance classification range -1 to 5, adapted from PMID: 32720330) for primary open angle glaucoma based on the ACMG/AMP criteria met, as specified by the ClinGen Glaucoma VCEP (v2.0.0, 5 Dec 2024): BP4, PM2_Supporting.